The following is an entry in ClinVar:

NM_001194.4(HCN2):c.2332G>C (p.Ala778Pro)

Gene: HCN2 (hyperpolarization activated cyclic nucleotide gated potassium and sodium channel 2; plus strand). Cytogenetic location: 19p13.3.
Variant type: single nucleotide variant.
Coding change: c.2332G>C on transcript NM_001194.4 (MANE Select); coding-DNA position 2332, G replaced by C.
Protein change: p.Ala778Pro; replaces alanine 778 with proline.
Molecular consequence: missense variant.
Genome position (GRCh38, 1-based): chr19:616,136, G>C. VCF-style: chr19-616136-G-C. GRCh37 (hg19) VCF-style: chr19-616136-G-C.
Other names: short protein forms A778P.
Identifiers: ClinVar variation 402924 (VCV000402924.4), dbSNP rs1060499864, ClinGen allele CA16609777.
Genomic context (GRCh38, chr19:616,136, plus strand): 5'-GTGCGCCGCCCGCCCCCGGGGCCCGCACCTGCCGCCGCCTCACCCGGGCCCCCGCCCCCC[G>C]CCAGCCCCCCGGGCGCGCCCGCCAGCCCCCGGGCACCGCGGACCTCGCCCTACGGCGGCC-3'
Protein context (NP_001185.3, residues 768-788): AAASPGPPPP[Ala778Pro]SPPGAPASPR

ClinVar aggregate classification (germline): Uncertain significance (1 of 4 stars; one submission).

Submission:

Laboratory for Molecular Medicine, Mass General Brigham Personalized Medicine
Classification: Uncertain significance. Last evaluated: 2016-03-28. Review status: criteria provided, single submitter. Criteria: LMM Criteria. Collection method: clinical testing. Allele origin: germline.
Comment: Variant identified in a genome or exome case(s) and assessed due to predicted null impact of the variant or pathogenic assertions in the literature or databases. Disclaimer: This variant has not undergone full assessment. The following are preliminary notes: Variant has not been reported or identified in large population studies.